The following is an entry in ClinVar:

ClinVar aggregate classification (germline): Uncertain significance. Review status: criteria provided, multiple submitters, no conflicts (2 of 4 stars). 3 submissions from 3 submitters: Uncertain significance (3). Last evaluated 2025-11-22.

Conditions:
Tuberous sclerosis 2 (TSC2). Identifiers: Orphanet 805, MedGen C1860707, MONDO:0013199, OMIM 613254.
Hereditary cancer-predisposing syndrome. Also called: Hereditary Cancer Syndrome; Tumor predisposition; Neoplastic Syndromes, Hereditary; Hereditary neoplastic syndrome. Identifiers: Orphanet 140162, MedGen C0027672, MeSH D009386, MONDO:0015356.
Tuberous sclerosis syndrome (TSC). Also called: Tuberous Sclerosis Complex; Tuberous sclerosis. Identifiers: Orphanet 805, MedGen C0041341, MONDO:0001734.

Submissions (3):

Labcorp Genetics (formerly Invitae), Labcorp
Classification: Uncertain significance for Tuberous sclerosis 2. Last evaluated: 2025-11-22. Review status: criteria provided, single submitter. Criteria: Invitae Variant Classification Sherloc (09022015). Collection method: clinical testing. Allele origin: germline.
Comment: This sequence change falls in intron 37 of the TSC2 gene. It does not directly change the encoded amino acid sequence of the TSC2 protein. It affects a nucleotide within the consensus splice site. This variant is not present in population databases (gnomAD no frequency). This variant has not been reported in the literature in individuals affected with TSC2-related conditions. ClinVar contains an entry for this variant (Variation ID: 3329480). Variants that disrupt the consensus splice site are a relatively common cause of aberrant splicing (PMID: 17576681, 9536098). Algorithms developed to predict the effect of sequence changes on RNA splicing suggest that this variant is not likely to affect RNA splicing. In summary, the available evidence is currently insufficient to determine the role of this variant in disease. Therefore, it has been classified as a Variant of Uncertain Significance.

Ambry Genetics
Classification: Uncertain significance for Hereditary cancer-predisposing syndrome. Last evaluated: 2024-06-10. Review status: criteria provided, single submitter. Criteria: Ambry Variant Classification Scheme 2023. Collection method: clinical testing. Allele origin: germline.
Comment: The c.4849+5G>C intronic variant results from a G to C substitution 5 nucleotides after coding exon 36 in the TSC2 gene. This nucleotide position is highly conserved in available vertebrate species. In silico splice site analysis predicts that this alteration will not have any significant effect on splicing. Based on the available evidence, the clinical significance of this variant remains unclear.

All of Us Research Program, National Institutes of Health
Classification: Uncertain significance for Tuberous sclerosis syndrome. Last evaluated: 2024-05-30. Review status: criteria provided, single submitter. Criteria: ACMG Guidelines, 2015. Collection method: clinical testing. Allele origin: germline. Inheritance: Autosomal dominant inheritance. Observed: 1 variant allele, 1 heterozygote.
Comment: This variant causes a G to C nucleotide substitution at the +5 position of intron 37 of the TSC2 gene. To our knowledge, functional studies have not been reported for this variant. This variant has not been reported in individuals affected with TSC2-related disorders in the literature. This variant has not been identified in the general population by the Genome Aggregation Database (gnomAD). The available evidence is insufficient to determine the role of this variant in disease conclusively. Therefore, this variant is classified as a Variant of Uncertain Significance.

This study involves interpretation of variants in research participants for the purpose of population health screening. Participant phenotype was not available at the time of variant classification. Additional details can be found in publication PMID: 35346344, PMCID: PMC8962531

Literature cited by the submitters: PubMed 17576681 (cited by Labcorp Genetics (formerly Invitae), Labcorp); PubMed 9536098 (cited by Labcorp Genetics (formerly Invitae), Labcorp).

NM_000548.5(TSC2):c.4849+5G>C

Gene: TSC2 (TSC complex subunit 2; plus strand). Cytogenetic location: 16p13.3.
Variant type: single nucleotide variant.
Coding change: c.4849+5G>C on transcript NM_000548.5 (MANE Select); 5 bases into the intron after coding-DNA position 4849, G replaced by C.
Molecular consequence: intron variant.
Genome position (GRCh38, 1-based): chr16:2,086,384, G>C. VCF-style: chr16-2086384-G-C. GRCh37 (hg19) VCF-style: chr16-2136385-G-C.
Other names: c.3307+5G>C (NM_001406693.1, NM_001406694.1, NM_001406692.1); c.4741+5G>C (NM_001406667.1); c.4738+5G>C (NM_001406668.1); c.4249+5G>C (NM_001406680.1); c.4180+5G>C (NM_001406683.1, NM_001406682.1); c.4048+5G>C (NM_001406687.1, NM_001406688.1); c.3436+5G>C (NM_001406689.1); c.3304+5G>C (NM_001406696.1, NM_001406695.1, NM_001406697.1); and 26 more.
Identifiers: ClinVar variation 3329480 (VCV003329480.3).
Genomic context (GRCh38, chr16:2,086,384, plus strand): 5'-CGTGTGTGGTGAGGACGGCCAGTTCACCTACTGCTGGCACGATGACATCATGCAAGGTAC[G>C]GCCTGGCGCCTACCCGCTCCTGCTGCCCCAGGCCTCAGGGCACGGCTCCCATCCAGTCCT-3'